The following is an entry in ClinVar:

ClinVar aggregate classification (germline): Uncertain significance. Review status: criteria provided, multiple submitters, no conflicts (2 of 4 stars). 2 submissions from 2 submitters: Uncertain significance (2). Last evaluated 2025-12-15.

Conditions:
Cardiovascular phenotype. Identifiers: MedGen CN230736.
Dilated cardiomyopathy 1W (CMD1W). Identifiers: Orphanet 154, MedGen C1969639, MONDO:0012667, OMIM 611407.

gnomAD v4.1: 10 of 1,612,792 alleles (0.00062%); highest among the groups gnomAD compares: East Asian, 0.0022%; no homozygotes.

Submissions (2):

Labcorp Genetics (formerly Invitae), Labcorp
Classification: Uncertain significance for Dilated cardiomyopathy 1W. Last evaluated: 2025-12-15. Review status: criteria provided, single submitter. Criteria: Invitae Variant Classification Sherloc (09022015). Collection method: clinical testing. Allele origin: germline.
Comment: This sequence change falls in intron 11 of the VCL gene. It does not directly change the encoded amino acid sequence of the VCL protein. It affects a nucleotide within the consensus splice site. This variant is present in population databases (rs747944328, gnomAD 0.006%). This variant has not been reported in the literature in individuals affected with VCL-related conditions. ClinVar contains an entry for this variant (Variation ID: 3467794). Variants that disrupt the consensus splice site are a relatively common cause of aberrant splicing (PMID: 17576681, 9536098). Algorithms developed to predict the effect of sequence changes on RNA splicing suggest that this variant is not likely to affect RNA splicing. In summary, the available evidence is currently insufficient to determine the role of this variant in disease. Therefore, it has been classified as a Variant of Uncertain Significance.

Ambry Genetics
Classification: Uncertain significance for Cardiovascular phenotype. Last evaluated: 2025-10-24. Review status: criteria provided, single submitter. Criteria: Ambry Variant Classification Scheme 2023. Collection method: clinical testing. Allele origin: germline.
Comment: The c.1543+4A>G intronic variant results from an A to G substitution 4 nucleotides after coding exon 11 in the VCL gene. This nucleotide position is highly conserved in available vertebrate species. In silico splice site analysis predicts that this alteration will not have any significant effect on splicing. Based on the available evidence, the clinical significance of this variant remains unclear.

Literature cited by the submitters: PubMed 17576681 (cited by Labcorp Genetics (formerly Invitae), Labcorp); PubMed 9536098 (cited by Labcorp Genetics (formerly Invitae), Labcorp).

NM_014000.3(VCL):c.1543+4A>G

Gene: VCL (vinculin; plus strand). Cytogenetic location: 10q22.2.
Variant type: single nucleotide variant.
Coding change: c.1543+4A>G on transcript NM_014000.3 (MANE Select); 4 bases into the intron after coding-DNA position 1543, A replaced by G.
Molecular consequence: intron variant.
Genome position (GRCh38, 1-based): chr10:74,094,465, A>G. VCF-style: chr10-74094465-A-G. GRCh37 (hg19) VCF-style: chr10-75854223-A-G.
Other names: c.1543+4A>G (NM_003373.4).
Identifiers: ClinVar variation 3467794 (VCV003467794.3).
Genomic context (GRCh38, chr10:74,094,465, plus strand): 5'-AGATTGAGCAAGCACAGCGGTGGATTGATAATCCCACAGTGGATGACCGTGGAGTCGGTA[A>G]GGGCAGCAGTGCACTATAACCTCATTAAATTGGTCTCAGTGCAAATAAGCAAGTTGTTGA-3'